The following is an entry in ClinVar:

ClinVar aggregate classification (germline): Likely benign. Review status: criteria provided, multiple submitters, no conflicts (2 of 4 stars). 2 submissions from 2 submitters: Likely benign (2). Last evaluated 2025-06-02.

Conditions:
Amyotrophic lateral sclerosis type 4 (ALS4). Also called: NEURONOPATHY, DISTAL HEREDITARY MOTOR, WITH PYRAMIDAL FEATURES; AMYOTROPHIC LATERAL SCLEROSIS 4, JUVENILE. Identifiers: Orphanet 357043, MedGen C1865409, MONDO:0011223, OMIM 602433.
Spinocerebellar ataxia, autosomal recessive, with axonal neuropathy 2 (SCAN2). Also called: Ataxia-ocular apraxia-2; Ataxia with Oculomotor Apraxia Type 2; ATAXIA-OCULOMOTOR APRAXIA 2; Ataxia with Oculomotor Apraxia. Identifiers: Orphanet 64753, MedGen C1853761, MONDO:0018996, OMIM 606002.

Allele frequency attached by ClinVar (database versions not stated): gnomAD exomes below 0.00001 and 0.00001; gnomAD 0.00001 and 0.00002; TOPMed 0.00001; 1000 Genomes Project 30x 0.00016; 1000 Genomes Project 0.00020.
gnomAD v4.1: 5 of 1,613,790 alleles (0.00031%); highest among the groups gnomAD compares: East Asian, 0.0089%; no homozygotes.

Submissions (2):

Athena Diagnostics
Classification: Likely benign. Last evaluated: 2025-06-02. Review status: criteria provided, single submitter. Criteria: Athena Diagnostics Criteria. Collection method: clinical testing. Allele origin: unknown.
Comment: Computational tools yielded predictions that this variant is unlikely to have an effect on normal RNA splicing. This nucleotide position exhibits low evolutionary conservation.

Labcorp Genetics (formerly Invitae), Labcorp
Classification: Likely benign for Amyotrophic lateral sclerosis type 4; Spinocerebellar ataxia, autosomal recessive, with axonal neuropathy 2. Last evaluated: 2020-02-15. Review status: criteria provided, single submitter. Criteria: Invitae Variant Classification Sherloc (09022015). Collection method: clinical testing. Allele origin: germline.

NM_015046.7(SETX):c.3603T>C (p.Ile1201=)

Gene: SETX (senataxin; minus strand). Cytogenetic location: 9q34.13.
Variant type: single nucleotide variant.
Coding change: c.3603T>C on transcript NM_015046.7 (MANE Select); coding-DNA position 3603, T replaced by C.
Protein change: p.Ile1201=; no amino-acid change (isoleucine 1201 retained).
Molecular consequence: synonymous variant.
Genome position (GRCh38, 1-based): chr9:132,327,995, A>G on the plus strand (T>C on the coding strand, the complement: SETX is on the minus strand). VCF-style: chr9-132327995-A-G. GRCh37 (hg19) VCF-style: chr9-135203382-A-G.
Other names: c.3603T>C, p.Ile1201= (NM_001351527.2, NM_001351528.2).
Identifiers: ClinVar variation 743068 (VCV000743068.9), dbSNP rs565774066, ClinGen allele CA200811041.
Genomic context (GRCh38, chr9:132,327,995, plus strand): 5'-CTTTTGTGAAACCGTAGTGGCTCTCTGAATACGTGAATTGGGAGTTGAAGTCCTTCTATC[A>G]ATACTTTTAAAATCATTTCCCACAAGATCTCTCTTATTAGTATCAGACTGGCCCTCATTT-3'
Protein context (NP_055861.3, residues 1191-1211): RDLVGNDFKS[Ile1201=]DRRTSTPNSR